The following is an entry in ClinVar:

ClinVar aggregate classification (germline): Uncertain significance (1 of 4 stars; one submission).

Allele frequency attached by ClinVar (database versions not stated): gnomAD exomes below 0.00001; TOPMed below 0.00001.
gnomAD v4.1: 8 of 1,597,944 alleles (0.0005%); highest among the groups gnomAD compares: Non-Finnish European, 0.00051%; no homozygotes.

Submission:

CeGaT Center for Human Genetics Tuebingen
Classification: Uncertain significance. Last evaluated: 2022-06-01. Review status: criteria provided, single submitter. Criteria: CeGaT Center For Human Genetics Tuebingen Variant Classification Criteria Version 2. Collection method: clinical testing. Allele origin: germline. Affected: yes. Observed: 1 variant allele.
Comment: CUX2: PM2

NM_015267.4(CUX2):c.2381G>T (p.Gly794Val)

Gene: CUX2 (cut like homeobox 2; plus strand). Cytogenetic location: 12q24.12.
Variant type: single nucleotide variant.
Coding change: c.2381G>T on transcript NM_015267.4 (MANE Select); coding-DNA position 2381, G replaced by T.
Protein change: p.Gly794Val; replaces glycine 794 with valine.
Molecular consequence: missense variant.
Genome position (GRCh38, 1-based): chr12:111,320,390, G>T. VCF-style: chr12-111320390-G-T. GRCh37 (hg19) VCF-style: chr12-111758194-G-T.
Other names: c.2195G>T, p.Gly732Val (NM_001370598.1); short protein forms G732V, G794V.
Identifiers: ClinVar variation 2643301 (VCV002643301.24), dbSNP rs2093099062, ClinGen allele CA386712993.